The following is an entry in ClinVar:

NM_138694.4(PKHD1):c.2687dup (p.Met896fs)

Gene: PKHD1 (PKHD1 ciliary IPT domain containing fibrocystin/polyductin; minus strand). Cytogenetic location: 6p12.2.
Variant type: Duplication.
Coding change: c.2687dup on transcript NM_138694.4 (MANE Select); coding-DNA position 2687, one base duplicated (T; older notation c.2687dupT).
Protein change: p.Met896fs; shifts the reading frame from methionine 896.
Molecular consequence: frameshift variant.
Genome position (GRCh38, 1-based): chr6:52,044,994, A duplicated on the plus strand (T on the coding strand, the reverse complement: PKHD1 is on the minus strand). VCF-style (leftmost placement, unchanged base first): chr6-52044993-C-CA. GRCh37 (hg19) VCF-style: chr6-51909791-C-CA.
Other names: c.2687dup, p.Met896fs (NM_170724.3); short protein forms M896fs.
Identifiers: ClinVar variation 5011914 (VCV005011914.1).

ClinVar aggregate classification (germline): Pathogenic (1 of 4 stars; one submission).

Conditions:
Polycystic kidney disease 4 (PKD4). Also called: POLYCYSTIC KIDNEY AND HEPATIC DISEASE 1; POLYCYSTIC KIDNEY DISEASE, INFANTILE, TYPE I; POLYCYSTIC KIDNEY DISEASE 4 WITH OR WITHOUT POLYCYSTIC LIVER DISEASE; PKD3; Autosomal Recessive Polycystic Kidney Disease – PKHD1. Identifiers: MedGen C4540575, MONDO:0033004, OMIM 263200.

Submission:

Myriad Genetics, Inc.
Classification: Pathogenic for Polycystic kidney disease 4. Last evaluated: 2023-09-27. Review status: criteria provided, single submitter. Criteria: Myriad Autosomal Dominant, Autosomal Recessive and X-Linked Classification Criteria (2023). Collection method: clinical testing. Allele origin: unknown.
Comment: NM_138694.3(PKHD1):c.2687dupT(M896Ifs*17) is expected to be pathogenic in the context of autosomal recessive polycystic kidney disease, PKHD1-related. This variant is predicted to lead to an abnormal or absent protein product due to the creation of a premature termination codon in PKHD1, a gene where loss-of-function variants are known to be pathogenic. Please note: this variant was assessed in the context of healthy population screening.